The following is an entry in ClinVar:

NM_001114134.2(EPB42):c.196+6T>A

Gene: EPB42 (erythrocyte membrane protein band 4.2; minus strand). Cytogenetic location: 15q15.2.
Variant type: single nucleotide variant.
Coding change: c.196+6T>A on transcript NM_001114134.2 (MANE Select); 6 bases into the intron after coding-DNA position 196, T replaced by A.
Molecular consequence: intron variant.
Genome position (GRCh38, 1-based): chr15:43,216,262, A>T on the plus strand (T>A on the coding strand, the complement: EPB42 is on the minus strand). VCF-style: chr15-43216262-A-T. GRCh37 (hg19) VCF-style: chr15-43508460-A-T.
Other names: IVS2nt+6T>A; c.286+6T>A (NM_000119.3).
Identifiers: ClinVar variation 132638 (VCV000132638.1), dbSNP rs515726214, ClinGen allele CA345661.

ClinVar aggregate classification (germline): Uncertain significance (0 of 4 stars; one submission).

Conditions:
Hereditary spherocytosis type 5. Also called: EPB42-Related Spherocytosis; EPB42-Related Hereditary Spherocytosis. Identifiers: Orphanet 822, MedGen C2675192, MONDO:0012985, OMIM 612690.

Submission:

ClinVar Staff, National Center for Biotechnology Information (NCBI)
Classification: Uncertain significance for Hereditary spherocytosis type 5. Last evaluated: 2016-11-10. Review status: no assertion criteria provided. Collection method: literature only. Allele origin: germline. Affected: yes.
Comment: This variant was included in GeneReviews NBK190102 until 11/10/2016, after which it was removed when the variant was determined to be non-pathogenic.

Literature cited by the submitters: PubMed 19508687.